The following is an entry in ClinVar:

NM_130849.4(SLC39A4):c.172G>A (p.Ala58Thr)

Gene: SLC39A4 (solute carrier family 39 member 4; minus strand). Cytogenetic location: 8q24.3.
Variant type: single nucleotide variant.
Coding change: c.172G>A on transcript NM_130849.4 (MANE Select); coding-DNA position 172, G replaced by A.
Protein change: p.Ala58Thr; replaces alanine 58 with threonine.
Molecular consequence: missense variant.
Genome position (GRCh38, 1-based): chr8:144,416,618, C>T on the plus strand (G>A on the coding strand, the complement: SLC39A4 is on the minus strand). VCF-style: chr8-144416618-C-T. GRCh37 (hg19) VCF-style: chr8-145642002-C-T.
Other names: p.Ala58Thr; c.172G>A, p.Ala58Thr (NM_001374839.1); short protein forms A58T.
Identifiers: ClinVar variation 362265 (VCV000362265.24), dbSNP rs2280838, ClinGen allele CA4941845.
Genomic context (GRCh38, chr8:144,416,618, plus strand): 5'-AGAGGCCAGGGCTGGGGGACCCGTCGGGTGGGGCTGTTACCTTTCCACACGGCCCGTTGG[C>T]GCAGTGCACACGGTCCGCCAGCGTATTTAACAGGCCGCCCAGAGCCTCTTGATCCAGAGC-3'
Protein context (NP_570901.3, residues 48-68): LNTLADRVHC[Ala58Thr]NGPCGKCLSV

ClinVar aggregate classification (germline): Benign. Review status: criteria provided, multiple submitters, no conflicts (2 of 4 stars). 8 submissions from 8 submitters: Benign (7). 1 of the submissions does not count toward it. Last evaluated 2026-02-04.

Conditions:
Hereditary acrodermatitis enteropathica (AEZ). Also called: Acrodermatitis enteropathica. Identifiers: Orphanet 37, MedGen C0221036, MONDO:0008713, OMIM 201100.

Allele frequency attached by ClinVar (database versions not stated): 1000 Genomes Project 0.43351; 1000 Genomes Project 30x 0.43520; TOPMed 0.50147; gnomAD exomes 0.50612 and 0.54759; gnomAD 0.51358 and 0.51612; ESP Exome Variant Server 0.52291; ExAC 0.57572.

Submissions (8):

Labcorp Genetics (formerly Invitae), Labcorp
Classification: Benign. Last evaluated: 2026-02-04. Review status: criteria provided, single submitter. Criteria: Invitae Variant Classification Sherloc (09022015). Collection method: clinical testing. Allele origin: germline.

Blueprint Genetics
Classification: Benign. Last evaluated: 2024-11-27. Review status: criteria provided, single submitter. Criteria: ACMG Guidelines, 2015. Collection method: clinical testing. Allele origin: germline.

Mayo Clinic Laboratories, Mayo Clinic
Classification: Benign. Last evaluated: 2022-09-06. Review status: criteria provided, single submitter. Criteria: ACMG Guidelines, 2015. Collection method: clinical testing. Allele origin: germline. Observed: 73 variant alleles.

Genome-Nilou Lab
Classification: Benign for Hereditary acrodermatitis enteropathica. Last evaluated: 2021-07-10. Review status: criteria provided, single submitter. Criteria: ACMG Guidelines, 2015. Collection method: clinical testing. Allele origin: germline. Affected: no.

GeneDx
Classification: Benign. Last evaluated: 2021-06-09. Review status: criteria provided, single submitter. Criteria: GeneDx Variant Classification Process June 2021. Collection method: clinical testing. Allele origin: germline. Affected: yes.

Laboratory for Molecular Medicine, Mass General Brigham Personalized Medicine
Classification: Benign. Last evaluated: 2016-03-29. Review status: criteria provided, single submitter. Criteria: LMM Criteria. Collection method: clinical testing. Allele origin: germline.
Comment: Variant identified in a genome or exome case(s) and assessed due to predicted null impact of the variant or pathogenic assertions in the literature or databases. Disclaimer: This variant has not undergone full assessment. The following are preliminary notes: Frequency

Breakthrough Genomics
Classification: Benign. Review status: criteria provided, single submitter. Criteria: ACMG Guidelines, 2015. Collection method: not provided. Allele origin: germline. Inheritance: Autosomal recessive inheritance. Affected: yes.

Natera, Inc.
Classification: Benign for Acrodermatitis enteropathica. Last evaluated: 2020-09-16. Review status: no assertion criteria provided. Collection method: clinical testing. Allele origin: germline. Not counted in ClinVar's aggregate classification.